The following is an entry in ClinVar:

NM_014284.3(NCDN):c.1848C>T (p.Asp616=)

Gene: NCDN (neurochondrin; plus strand). Cytogenetic location: 1p34.3.
Variant type: single nucleotide variant.
Coding change: c.1848C>T on transcript NM_014284.3 (MANE Select); coding-DNA position 1848, C replaced by T.
Protein change: p.Asp616=; no amino-acid change (aspartic acid 616 retained).
Molecular consequence: synonymous variant.
Genome position (GRCh38, 1-based): chr1:35,565,321, C>T. VCF-style: chr1-35565321-C-T. GRCh37 (hg19) VCF-style: chr1-36030922-C-T.
Other names: c.1848C>T, p.Asp616= (NM_001014839.2); c.1797C>T, p.Asp599= (NM_001014841.2).
Identifiers: ClinVar variation 3352475 (VCV003352475.1).

ClinVar aggregate classification (germline): Likely benign (0 of 4 stars; one submission).

Conditions:
NCDN-related disorder. Also called: NCDN-related condition.

gnomAD v4.1: 30 of 1,613,936 alleles (0.0019%); highest among the groups gnomAD compares: African/African-American, 0.032%; no homozygotes.

Submission:

PreventionGenetics, part of Exact Sciences
Classification: Likely benign for NCDN-related condition. Last evaluated: 2024-09-04. Review status: no assertion criteria provided. Collection method: clinical testing. Allele origin: germline.
Comment: This variant is classified as likely benign based on ACMG/AMP sequence variant interpretation guidelines (Richards et al. 2015 PMID: 25741868, with internal and published modifications).